The following is an entry in ClinVar:

NM_018192.4(P3H2):c.1904A>C (p.Lys635Thr)

Gene: P3H2 (prolyl 3-hydroxylase 2; minus strand). Cytogenetic location: 3q28.
Variant type: single nucleotide variant.
Coding change: c.1904A>C on transcript NM_018192.4 (MANE Select); coding-DNA position 1904, A replaced by C.
Protein change: p.Lys635Thr; replaces lysine 635 with threonine.
Molecular consequence: missense variant.
Genome position (GRCh38, 1-based): chr3:189,964,088, T>G on the plus strand (A>C on the coding strand, the complement: P3H2 is on the minus strand). VCF-style: chr3-189964088-T-G. GRCh37 (hg19) VCF-style: chr3-189681877-T-G.
Other names: c.1361A>C, p.Lys454Thr (NM_001134418.2); short protein forms K454T, K635T.
Identifiers: ClinVar variation 1011826 (VCV001011826.3), dbSNP rs748057759, ClinGen allele CA2752725.

ClinVar aggregate classification (germline): Uncertain significance. Review status: criteria provided, multiple submitters, no conflicts (2 of 4 stars). 2 submissions from 2 submitters: Uncertain significance (2). Last evaluated 2024-04-02.

Allele frequency attached by ClinVar (database versions not stated): ExAC 0.00001; gnomAD exomes 0.00002.
gnomAD v4.1: 22 of 1,614,040 alleles (0.0014%); highest among the groups gnomAD compares: East Asian, 0.047%; no homozygotes.

Submissions (2):

Blueprint Genetics
Classification: Uncertain significance. Last evaluated: 2024-04-02. Review status: criteria provided, single submitter. Criteria: ACMG Guidelines, 2015. Collection method: clinical testing. Allele origin: germline.

Labcorp Genetics (formerly Invitae), Labcorp
Classification: Uncertain significance. Last evaluated: 2022-07-05. Review status: criteria provided, single submitter. Criteria: Invitae Variant Classification Sherloc (09022015). Collection method: clinical testing. Allele origin: germline.
Comment: This sequence change replaces lysine, which is basic and polar, with threonine, which is neutral and polar, at codon 635 of the P3H2 protein (p.Lys635Thr). This variant is present in population databases (rs748057759, gnomAD 0.02%). This variant has not been reported in the literature in individuals affected with P3H2-related conditions. ClinVar contains an entry for this variant (Variation ID: 1011826). Algorithms developed to predict the effect of missense changes on protein structure and function are either unavailable or do not agree on the potential impact of this missense change (SIFT: "Deleterious"; PolyPhen-2: "Possibly Damaging"; Align-GVGD: "Class C0"). In summary, the available evidence is currently insufficient to determine the role of this variant in disease. Therefore, it has been classified as a Variant of Uncertain Significance.